The following is an entry in ClinVar:

NM_001972.4(ELANE):c.533C>A (p.Thr178Lys)

Gene: ELANE (elastase, neutrophil expressed; plus strand). Cytogenetic location: 19p13.3.
Variant type: single nucleotide variant.
Coding change: c.533C>A on transcript NM_001972.4 (MANE Select); coding-DNA position 533, C replaced by A.
Protein change: p.Thr178Lys; replaces threonine 178 with lysine.
Molecular consequence: missense variant.
Genome position (GRCh38, 1-based): chr19:855,730, C>A. VCF-style: chr19-855730-C-A. GRCh37 (hg19) VCF-style: chr19-855730-C-A.
Other names: short protein forms T178K.
Identifiers: ClinVar variation 993706 (VCV000993706.13), dbSNP rs747053501, ClinGen allele CA9026085.

ClinVar aggregate classification (germline): Uncertain significance. Review status: criteria provided, multiple submitters, no conflicts (2 of 4 stars). 2 submissions from 2 submitters: Uncertain significance (2). Last evaluated 2025-06-14.

Conditions:
Neutropenia, severe congenital, 1, autosomal dominant. Identifiers: MedGen C1859966, MONDO:0042490, OMIM 202700.
Cyclical neutropenia. Also called: Cyclic Neutropenia; Cyclic hematopoiesis. Identifiers: Orphanet 2686, MedGen C0221023, MONDO:0008090, OMIM 162800, HP:0040289. Disease mechanism: loss of function.

Allele frequency attached by ClinVar (database versions not stated): TOPMed 0.00001.
gnomAD v4.1: 12 of 1,609,662 alleles (0.00075%); highest among the groups gnomAD compares: Non-Finnish European, 0.00093%; no homozygotes.

Submissions (2):

Labcorp Genetics (formerly Invitae), Labcorp
Classification: Uncertain significance for Neutropenia, severe congenital, 1, autosomal dominant; Cyclical neutropenia. Last evaluated: 2025-06-14. Review status: criteria provided, single submitter. Criteria: Invitae Variant Classification Sherloc (09022015). Collection method: clinical testing. Allele origin: germline.
Comment: This sequence change replaces threonine, which is neutral and polar, with lysine, which is basic and polar, at codon 178 of the ELANE protein (p.Thr178Lys). This variant is present in population databases (rs747053501, gnomAD 0.0009%). This variant has not been reported in the literature in individuals affected with ELANE-related conditions. ClinVar contains an entry for this variant (Variation ID: 993706). Invitae Evidence Modeling of protein sequence and biophysical properties (such as structural, functional, and spatial information, amino acid conservation, physicochemical variation, residue mobility, and thermodynamic stability) has been performed for this missense variant. However, the output from this modeling did not meet the statistical confidence thresholds required to predict the impact of this variant on ELANE protein function. In summary, the available evidence is currently insufficient to determine the role of this variant in disease. Therefore, it has been classified as a Variant of Uncertain Significance.

ARUP Laboratories, Molecular Genetics and Genomics, ARUP Laboratories
Classification: Uncertain significance. Last evaluated: 2020-07-08. Review status: criteria provided, single submitter. Criteria: ARUP Molecular Germline Variant Investigation Process. Collection method: clinical testing. Allele origin: germline.
Comment: The ELANE c.533C>A; p.Thr178Lys variant (rs747053501), to our knowledge, is not reported in the medical literature or gene specific databases. This variant is only observed on one allele in the Genome Aggregation Database, indicating it is not a common polymorphism. The threonine at codon 178 is highly conserved, but computational analyses (SIFT: Tolerated, PolyPhen-2: Possibly Damaging) predict conflicting effects of this variant on protein structure/function. Due to limited information, the clinical significance of the p.Thr178Lys variant is uncertain at this time.